The following is an entry in ClinVar:

ClinVar aggregate classification (germline): Likely pathogenic (1 of 4 stars; one submission).

Conditions:
Hennekam lymphangiectasia-lymphedema syndrome 1 (HKLLS1). Also called: LYMPHATIC DYSPLASIA, GENERALIZED. Identifiers: Orphanet 2136, MedGen C4012050, MONDO:0009337, OMIM 235510.

Submission:

Dasa
Classification: Likely pathogenic for Hennekam lymphangiectasia-lymphedema syndrome 1. Last evaluated: 2025-10-09. Review status: criteria provided, single submitter. Criteria: DASA Assertion Criteria. Collection method: clinical testing. Allele origin: germline.
Comment: NM_133459.4(CCBE1):c.314_315del (p.Asn105Ilefs*15) is a frameshift variant in CCBE1 predicted to alter the reading frame and introduce a premature termination codon and is predicted to result in an absent or altered protein product. Loss of function is an established disease mechanism for CCBE1-associated disorders. Also, this variant is absent from population databases. Based on the currently available evidence, this variant is classified as likely pathogenic.

NM_133459.4(CCBE1):c.314_315del (p.Asn105fs)

Gene: CCBE1 (collagen and calcium binding EGF domains 1; minus strand). Cytogenetic location: 18q21.32.
Variant type: Deletion.
Coding change: c.314_315del on transcript NM_133459.4 (MANE Select); coding-DNA positions 314 to 315, 2 bases deleted (AC; older notation c.314_315delAC).
Protein change: p.Asn105fs; shifts the reading frame from asparagine 105.
Molecular consequence: frameshift variant.
Genome position (GRCh38, 1-based): chr18:59,469,558-59,469,559, GT deleted on the plus strand (AC on the coding strand, the reverse complement: CCBE1 is on the minus strand). VCF-style (leftmost placement, unchanged base first): chr18-59469557-AGT-A. GRCh37 (hg19) VCF-style: chr18-57136789-AGT-A.
Other names: short protein forms N105fs.
Identifiers: ClinVar variation 4880719 (VCV004880719.2).